The following is an entry in ClinVar:

ClinVar aggregate classification (germline): Likely pathogenic. Review status: criteria provided, multiple submitters, no conflicts (2 of 4 stars). 4 submissions from 4 submitters: Likely pathogenic (3). 1 of the submissions does not count toward it. Last evaluated 2024-08-29.

Conditions:
Steroid-resistant nephrotic syndrome. Identifiers: MedGen C0403397, MONDO:0044765, HP:0012588.
Nephrotic syndrome, type 2 (NPHS2). Also called: NEPHROTIC SYNDROME, STEROID-RESISTANT, AUTOSOMAL RECESSIVE. Identifiers: Orphanet 656, MedGen C1868672, MONDO:0010974, OMIM 600995.

Submissions (4):

Natera, Inc.
Classification: Likely pathogenic for Steroid-resistant nephrotic syndrome. Last evaluated: 2024-08-29. Review status: criteria provided, single submitter. Criteria: Natera Variant Classification Schema (03/2026). Collection method: clinical testing. Allele origin: germline.
Comment: The c.795-1G>A variant in NPHS2 is a canonical splice acceptor site variant predicted to affect pre-mRNA splicing, which may result in an abnormal transcript and altered protein product. This variant is expected to result in nonsense mediated decay, truncation, or a dysfunctional protein product. This variant is rare in the general population with a frequency below the threshold expected for the associated phenotype(s). Given the available evidence, this variant is classified as Likely Pathogenic.

Labcorp Genetics (formerly Invitae), Labcorp
Classification: Likely pathogenic. Last evaluated: 2024-02-27. Review status: criteria provided, single submitter. Criteria: Invitae Variant Classification Sherloc (09022015). Collection method: clinical testing. Allele origin: germline.
Comment: This sequence change affects an acceptor splice site in intron 6 of the NPHS2 gene. It is expected to disrupt RNA splicing. Variants that disrupt the donor or acceptor splice site typically lead to a loss of protein function (PMID: 16199547), and loss-of-function variants in NPHS2 are known to be pathogenic (PMID: 10742096, 14701729, 15253708, 23595123). This variant is not present in population databases (gnomAD no frequency). This variant has not been reported in the literature in individuals affected with NPHS2-related conditions. ClinVar contains an entry for this variant (Variation ID: 370486). Algorithms developed to predict the effect of sequence changes on RNA splicing suggest that this variant may disrupt the consensus splice site. In summary, the currently available evidence indicates that the variant is pathogenic, but additional data are needed to prove that conclusively. Therefore, this variant has been classified as Likely Pathogenic.

Baylor Genetics
Classification: Likely pathogenic for Nephrotic syndrome, type 2. Last evaluated: 2023-06-27. Review status: criteria provided, single submitter. Criteria: ACMG Guidelines, 2015. Collection method: clinical testing. Allele origin: unknown.

Counsyl
Classification: Likely pathogenic for Nephrotic syndrome, type 2. Last evaluated: 2016-02-26. Review status: no assertion criteria provided. Collection method: clinical testing. Allele origin: unknown. Not counted in ClinVar's aggregate classification.

Literature cited by the submitters: PubMed 16199547 (cited by Labcorp Genetics (formerly Invitae), Labcorp); PubMed 10742096 (cited by Labcorp Genetics (formerly Invitae), Labcorp); PubMed 14701729 (cited by Labcorp Genetics (formerly Invitae), Labcorp); PubMed 15253708 (cited by Labcorp Genetics (formerly Invitae), Labcorp); PubMed 23595123 (cited by Labcorp Genetics (formerly Invitae), Labcorp).

NM_014625.4(NPHS2):c.795-1G>A

Genes: AXDND1 (axonemal dynein light chain domain containing 1; plus strand), NPHS2 (NPHS2 stomatin family member, podocin; minus strand). Cytogenetic location: 1q25.2.
Variant type: single nucleotide variant.
Coding change: c.795-1G>A on transcript NM_014625.4 (MANE Select); the canonical splice acceptor site of the intron before coding-DNA position 795, G replaced by A.
Molecular consequence: splice acceptor variant. On other transcripts: intron variant (1).
Genome position (GRCh38, 1-based): chr1:179,552,682, C>T on the plus strand (G>A on the coding strand, the complement: NPHS2 is on the minus strand). VCF-style: chr1-179552682-C-T. GRCh37 (hg19) VCF-style: chr1-179521817-C-T.
Other names: c.795-1G>A (NM_014625.3); c.3032-1830C>T (NM_144696.6); c.591-1G>A (NM_001297575.2).
Identifiers: ClinVar variation 370486 (VCV000370486.7), dbSNP rs1057516523, ClinGen allele CA16040667.